The following is an entry in ClinVar:

NM_004562.3(PRKN):c.*2480C>A

Gene: PRKN (parkin RBR E3 ubiquitin protein ligase; minus strand). Cytogenetic location: 6q26.
Variant type: single nucleotide variant.
Coding change: c.*2480C>A on transcript NM_004562.3 (MANE Select); 2480 bases downstream of the stop codon, C replaced by A.
Molecular consequence: 3 prime UTR variant.
Genome position (GRCh38, 1-based): chr6:161,347,619, G>T on the plus strand (C>A on the coding strand, the complement: PRKN is on the minus strand). VCF-style: chr6-161347619-G-T. GRCh37 (hg19) VCF-style: chr6-161768651-G-T.
Other names: c.*2480C>A (NM_013987.3, NM_013988.3).
Identifiers: ClinVar variation 355981 (VCV000355981.5), dbSNP rs68121389, ClinGen allele CA10626410.

ClinVar aggregate classification (germline): Benign (1 of 4 stars; one submission).

Conditions:
Autosomal recessive juvenile Parkinson disease 2. Also called: PARKINSON DISEASE, JUVENILE, AUTOSOMAL RECESSIVE; Parkinson disease autosomal recessive, early onset; Juvenile parkinsonism; Parkinsonism, early onset, with diurnal fluctuation; PRKN-Related Early-Onset Parkinson Disease; Parkinson disease, juvenile, type 2. Identifiers: Orphanet 2828, MedGen C1868675, MONDO:0010820, OMIM 600116.

Allele frequency attached by ClinVar (database versions not stated): gnomAD 0.37345 and 0.37695; 1000 Genomes Project 0.49900.

Submission:

Illumina Laboratory Services, Illumina
Classification: Benign for Autosomal recessive juvenile Parkinson disease 2. Last evaluated: 2018-01-13. Review status: criteria provided, single submitter. Criteria: ICSL Variant Classification Criteria 13 December 2019. Collection method: clinical testing. Allele origin: germline.
Comment: This variant was observed in the ICSL laboratory as part of a predisposition screen in an ostensibly healthy population. It had not been previously curated by ICSL or reported in the Human Gene Mutation Database (HGMD: prior to June 1st, 2018), and was therefore a candidate for classification through an automated scoring system. Utilizing variant allele frequency, disease prevalence and penetrance estimates, and inheritance mode, an automated score was calculated to assess if this variant is too frequent to cause the disease. Based on the score and internal cut-off values, a variant classified as benign is not then subjected to further curation. The score for this variant resulted in a classification of benign for this disease.